The following is an entry in ClinVar:

ClinVar aggregate classification (germline): Conflicting classifications of pathogenicity. Review status: criteria provided, conflicting classifications (1 of 4 stars). 9 submissions from 9 submitters: Pathogenic (1); Likely pathogenic (5); Uncertain significance (3). Last evaluated 2026-05-29.

Conditions:
Renal tubulopathies.
SLC12A3-related disorder. Also called: SLC12A3-related condition.
Familial hypokalemia-hypomagnesemia (GTLMNS). Also called: HYPOMAGNESEMIA-HYPOKALEMIA, PRIMARY RENOTUBULAR, WITH HYPOCALCIURIA; POTASSIUM AND MAGNESIUM DEPLETION; gitelman syndrome. Identifiers: Orphanet 358, MedGen C0268450, MONDO:0009904, OMIM 263800.

gnomAD v4.1: 118 of 1,595,310 alleles (0.0074%); highest among the groups gnomAD compares: Middle Eastern, 0.033%; no homozygotes.

Submissions (9):

Genetics Laboratory, Great Ormond Street Hospital NHS Foundation Trust, North Thames Genomic Laboratory Hub
Classification: Uncertain significance for Renal tubulopathies. Last evaluated: 2026-05-29. Review status: criteria provided, single submitter. Criteria: ACGS Best Practice Guidelines for Variant Classification in Rare Disease 2024 v1.2. Collection method: clinical testing. Allele origin: germline. Affected: yes.
Comment: PM2_moderate, PM3_moderate

Natera, Inc.
Classification: Likely pathogenic for Gitelman syndrome. Last evaluated: 2026-01-26. Review status: criteria provided, single submitter. Criteria: Natera Variant Classification Schema (03/2026). Collection method: clinical testing. Allele origin: germline.
Comment: The c.1519C>T variant in SLC12A3 is a missense variant predicted to cause substitution of arginine to cysteine at amino acid 507. This variant is rare in the general population with a frequency below the threshold expected for the associated phenotype(s). This variant has been observed in one or more individuals affected with the associated recessive disease, as either homozygous or compound heterozygous with a second variant (PMID: 21415153, 29398133, 33238651). Computational prediction algorithms indicate this variant is likely to affect gene or protein function. Given the available evidence, this variant is classified as Likely Pathogenic.

Labcorp Genetics (formerly Invitae), Labcorp
Classification: Pathogenic. Last evaluated: 2025-04-21. Review status: criteria provided, single submitter. Criteria: Invitae Variant Classification Sherloc (09022015). Collection method: clinical testing. Allele origin: germline.
Comment: This sequence change replaces arginine, which is basic and polar, with cysteine, which is neutral and slightly polar, at codon 507 of the SLC12A3 protein (p.Arg507Cys). This variant is present in population databases (rs369510226, gnomAD 0.01%). This missense change has been observed in individual(s) with clinical features of Gitelman syndrome (PMID: 21415153, 31285285; internal data). In at least one individual the data is consistent with being in trans (on the opposite chromosome) from a pathogenic variant. It has also been observed to segregate with disease in related individuals. ClinVar contains an entry for this variant (Variation ID: 3337588). Invitae Evidence Modeling of protein sequence and biophysical properties (such as structural, functional, and spatial information, amino acid conservation, physicochemical variation, residue mobility, and thermodynamic stability) indicates that this missense variant is expected to disrupt SLC12A3 protein function with a positive predictive value of 95%. For these reasons, this variant has been classified as Pathogenic.

PreventionGenetics, part of Exact Sciences
Classification: Likely pathogenic for SLC12A3-related condition. Last evaluated: 2025-03-08. Review status: criteria provided, single submitter. Criteria: ACMG Guidelines, 2015. Collection method: clinical testing. Allele origin: germline.
Comment: The SLC12A3 c.1519C>T variant is predicted to result in the amino acid substitution p.Arg507Cys. This variant has been reported with a second causative SLC12A3 variant in three unrelated individuals with Gitelman syndrome (exons 4-5 deletion in Table 1 and c.2581C>T in Table S1b, Vargas-Poussou et al. 2011. PubMed ID: 21415153; c.1456G>A in Figure 3, Li et al. 2020. doi:10.3760/cma.j.cn101070-20190704-00598). This variant is reported in 0.016% of alleles in individuals of European (Non-Finnish) descent in gnomAD. This variant is interpreted as likely pathogenic.

GeneDx
Classification: Uncertain significance. Last evaluated: 2024-07-29. Review status: criteria provided, single submitter. Criteria: GeneDx Variant Classification Process June 2021. Collection method: clinical testing. Allele origin: germline. Affected: yes.
Comment: Identified with additional SLC12A3 variants in patients with suspected Gitelman syndrome in the published literature, however the phase of the variants identified in these individuals was not confirmed (PMID: 21415153); In silico analysis supports that this missense variant has a deleterious effect on protein structure/function; This variant is associated with the following publications: (PMID: 34426522, 21415153)

Fulgent Genetics
Classification: Likely pathogenic for Familial hypokalemia-hypomagnesemia. Last evaluated: 2024-05-09. Review status: criteria provided, single submitter. Criteria: ACMG Guidelines, 2015. Collection method: clinical testing. Allele origin: germline.

Blueprint Genetics
Classification: Likely pathogenic for SLC12A3-related disorders. Last evaluated: 2023-09-14. Review status: criteria provided, single submitter. Criteria: ACMG Guidelines, 2015. Collection method: clinical testing. Allele origin: germline. Affected: yes. Observed: 5 variant alleles.

Clinical Genetics Laboratory, Skane University Hospital Lund
Classification: Uncertain significance. Last evaluated: 2022-07-13. Review status: criteria provided, single submitter. Criteria: ACMG Guidelines, 2015. Collection method: clinical testing. Allele origin: germline. Affected: yes.

Kariminejad - Najmabadi Pathology & Genetics Center
Classification: Likely pathogenic for Familial hypokalemia-hypomagnesemia. Review status: criteria provided, single submitter. Criteria: ACMG Guidelines, 2015. Collection method: clinical testing. Allele origin: germline. Affected: no.

Literature cited by the submitters: PubMed 21415153 (cited by Natera, Inc. and Labcorp Genetics (formerly Invitae), Labcorp); PubMed 29398133 (cited by Natera, Inc.); PubMed 33238651 (cited by Natera, Inc.); PubMed 31285285 (cited by Labcorp Genetics (formerly Invitae), Labcorp).

NM_001126108.2(SLC12A3):c.1519C>T (p.Arg507Cys)

Gene: SLC12A3 (solute carrier family 12 member 3; plus strand). Cytogenetic location: 16q13.
Variant type: single nucleotide variant.
Coding change: c.1519C>T on transcript NM_001126108.2 (MANE Select); coding-DNA position 1519, C replaced by T.
Protein change: p.Arg507Cys; replaces arginine 507 with cysteine.
Molecular consequence: missense variant.
Genome position (GRCh38, 1-based): chr16:56,880,205, C>T. VCF-style: chr16-56880205-C-T. GRCh37 (hg19) VCF-style: chr16-56914117-C-T.
Other names: c.1519C>T, p.Arg507Cys (NM_000339.3); c.1516C>T, p.Arg506Cys (NM_001126107.2, NM_001410896.1); short protein forms R506C, R507C.
Identifiers: ClinVar variation 3337588 (VCV003337588.11).